The following is an entry in ClinVar:

NM_014423.4(AFF4):c.493A>C (p.Lys165Gln)

Gene: AFF4 (ALF transcription elongation factor 4; minus strand). Cytogenetic location: 5q31.1.
Variant type: single nucleotide variant.
Coding change: c.493A>C on transcript NM_014423.4 (MANE Select); coding-DNA position 493, A replaced by C.
Protein change: p.Lys165Gln; replaces lysine 165 with glutamine.
Molecular consequence: missense variant.
Genome position (GRCh38, 1-based): chr5:132,934,572, T>G on the plus strand (A>C on the coding strand, the complement: AFF4 is on the minus strand). VCF-style: chr5-132934572-T-G. GRCh37 (hg19) VCF-style: chr5-132270264-T-G.
Other names: short protein forms K165Q.
Identifiers: ClinVar variation 1399345 (VCV001399345.6), dbSNP rs2150098662, ClinGen allele CA360960802.
Genomic context (GRCh38, chr5:132,934,572, plus strand): 5'-GGGGTTTTCCAGGGCTGGAAGAACGTGATTTGGAGTGTTCTGATCCATGCTGGCCTTTTT[T>G]CCGGCTACTGCTCCCACTATTGTTATATGACTCACGGTCGTGCCTCTGACCACTACTGTT-3'
Protein context (NP_055238.1, residues 155-175): SYNNSGSSSR[Lys165Gln]KGQHGSEHSK

ClinVar aggregate classification (germline): Uncertain significance (1 of 4 stars; one submission).

Conditions:
Cognitive impairment - coarse facies - heart defects - obesity - pulmonary involvement - short stature - skeletal dysplasia syndrome. Also called: COGNITIVE IMPAIRMENT, COARSE FACIES, HEART DEFECTS, OBESITY, PULMONARY INVOLVEMENT, SHORT STATURE, AND SKELETAL DYSPLASIA; Chops syndrome; AFF4-Related CHOPS Syndrome. Identifiers: Orphanet 444077, MedGen C4085597, MONDO:0014609, OMIM 616368.

Submission:

Labcorp Genetics (formerly Invitae), Labcorp
Classification: Uncertain significance for Cognitive impairment - coarse facies - heart defects - obesity - pulmonary involvement - short stature - skeletal dysplasia syndrome. Last evaluated: 2022-12-25. Review status: criteria provided, single submitter. Criteria: Invitae Variant Classification Sherloc (09022015). Collection method: clinical testing. Allele origin: germline.
Comment: In summary, the available evidence is currently insufficient to determine the role of this variant in disease. Therefore, it has been classified as a Variant of Uncertain Significance. Algorithms developed to predict the effect of missense changes on protein structure and function are either unavailable or do not agree on the potential impact of this missense change (SIFT: "Tolerated"; PolyPhen-2: "Possibly Damaging"; Align-GVGD: "Class C0"). ClinVar contains an entry for this variant (Variation ID: 1399345). This variant has not been reported in the literature in individuals affected with AFF4-related conditions. This variant is not present in population databases (gnomAD no frequency). This sequence change replaces lysine, which is basic and polar, with glutamine, which is neutral and polar, at codon 165 of the AFF4 protein (p.Lys165Gln).